The following is an entry in ClinVar:

NM_005033.3(EXOSC9):c.390G>T (p.Trp130Cys)

Gene: EXOSC9 (exosome component 9; plus strand). Cytogenetic location: 4q27.
Variant type: single nucleotide variant.
Coding change: c.390G>T on transcript NM_005033.3 (MANE Select); coding-DNA position 390, G replaced by T.
Protein change: p.Trp130Cys; replaces tryptophan 130 with cysteine.
Molecular consequence: missense variant.
Genome position (GRCh38, 1-based): chr4:121,804,627, G>T. VCF-style: chr4-121804627-G-T. GRCh37 (hg19) VCF-style: chr4-122725782-G-T.
Other names: c.390G>T, p.Trp130Cys (NM_001034194.2); short protein forms W130C.
Identifiers: ClinVar variation 1313162 (VCV001313162.3), dbSNP rs775495786, ClinGen allele CA3063393.

ClinVar aggregate classification (germline): Uncertain significance. Review status: criteria provided, multiple submitters, no conflicts (2 of 4 stars). 2 submissions from 2 submitters: Uncertain significance (2). Last evaluated 2024-08-13.

Conditions:
Pontocerebellar hypoplasia, type 1D. Identifiers: MedGen C4748058, MONDO:0054844, OMIM 618065.

Allele frequency attached by ClinVar (database versions not stated): gnomAD 0.00001; gnomAD exomes 0.00003 and 0.00004; ExAC 0.00006.
gnomAD v4.1: 37 of 1,575,572 alleles (0.0023%); highest among the groups gnomAD compares: South Asian, 0.042%; no homozygotes.

Submissions (2):

Revvity Omics, Revvity
Classification: Uncertain significance for Pontocerebellar hypoplasia, type 1D. Last evaluated: 2024-08-13. Review status: criteria provided, single submitter. Criteria: ACMG Guidelines, 2015. Collection method: clinical testing. Allele origin: germline.

GeneDx
Classification: Uncertain significance. Last evaluated: 2021-08-31. Review status: criteria provided, single submitter. Criteria: GeneDx Variant Classification Process June 2021. Collection method: clinical testing. Allele origin: germline. Affected: yes.
Comment: In silico analysis supports that this missense variant has a deleterious effect on protein structure/function; In-silico analysis is inconclusive as to whether the variant alters gene splicing. In the absence of RNA/functional studies, the actual effect of this sequence change is unknown.; Has not been previously published as pathogenic or benign to our knowledge